The following is an entry in ClinVar:

NM_022369.4(STRA6):c.1167-11T>A

Gene: STRA6 (signaling receptor and transporter of retinol STRA6; minus strand). Cytogenetic location: 15q24.1.
Variant type: single nucleotide variant.
Coding change: c.1167-11T>A on transcript NM_022369.4 (MANE Select); 11 bases into the intron before coding-DNA position 1167, T replaced by A.
Molecular consequence: intron variant.
Genome position (GRCh38, 1-based): chr15:74,184,000, A>T on the plus strand (T>A on the coding strand, the complement: STRA6 is on the minus strand). VCF-style: chr15-74184000-A-T. GRCh37 (hg19) VCF-style: chr15-74476341-A-T.
Other names: c.1278-11T>A (NM_001199040.2); c.1140-11T>A (NM_001142619.2); c.1167-11T>A (NM_001142617.2, NM_001142618.2); c.1212-11T>A (NM_001199041.2); c.1284-11T>A (NM_001199042.2).
Identifiers: ClinVar variation 3669030 (VCV003669030.3).

ClinVar aggregate classification (germline): Uncertain significance (1 of 4 stars; one submission).

Conditions:
Microphthalmia, syndromic 9. Also called: ANOPHTHALMIA, CLINICAL, WITH MILD FACIAL DYSMORPHISM AND VARIABLE MALFORMATIONS OF THE LUNG, HEART, AND DIAPHRAGM; ANOPHTHALMIA/MICROPHTHALMIA AND PULMONARY HYPOPLASIA; PULMONARY AGENESIS, MICROPHTHALMIA, AND DIAPHRAGMATIC DEFECT; SPEAR SYNDROME; Matthew-Wood syndrome. Identifiers: Orphanet 2470, MedGen C1832661, MONDO:0011010, OMIM 601186.

gnomAD v4.1: 362 of 1,612,128 alleles (0.022%); highest among the groups gnomAD compares: Non-Finnish European, 0.029%; 1 homozygote.

Submissions (3):

Labcorp Genetics (formerly Invitae), Labcorp
Classification: Uncertain significance for Microphthalmia, syndromic 9. Last evaluated: 2026-01-26. Review status: criteria provided, single submitter. Criteria: Invitae Variant Classification Sherloc (09022015). Collection method: clinical testing. Allele origin: germline.
Comment: This sequence change falls in intron 13 of the STRA6 gene. It does not directly change the encoded amino acid sequence of the STRA6 protein. This variant is present in population databases (rs543758018, gnomAD 0.03%). This variant has not been reported in the literature in individuals affected with STRA6-related conditions. ClinVar contains an entry for this variant (Variation ID: 3669030). Algorithms developed to predict the effect of sequence changes on RNA splicing suggest that this variant may disrupt the consensus splice site. In summary, the available evidence is currently insufficient to determine the role of this variant in disease. Therefore, it has been classified as a Variant of Uncertain Significance.

Dr. Peter K. Rogan Lab, Western University
No classification provided (evidence only). Condition: Cervical cancer. Review status: no classification provided. Collection method: in vitro. Allele origin: not applicable. Functional consequence: retained intron. Not counted in ClinVar's aggregate classification.

Dr. Peter K. Rogan Lab, Western University
No classification provided (evidence only). Condition: Gastric cancer. Review status: no classification provided. Collection method: in vitro. Allele origin: not applicable. Functional consequence: retained intron. Not counted in ClinVar's aggregate classification.